The following is an entry in ClinVar:

NM_000059.4(BRCA2):c.3454_3455dup (p.Leu1152fs)

Gene: BRCA2 (BRCA2 DNA repair associated; plus strand). Cytogenetic location: 13q13.1.
Variant type: Duplication.
Coding change: c.3454_3455dup on transcript NM_000059.4 (MANE Select); coding-DNA positions 3454 to 3455, 2 bases duplicated (TT; older notation c.3454_3455dupTT).
Protein change: p.Leu1152fs; shifts the reading frame from leucine 1152.
Molecular consequence: frameshift variant.
Genome position (GRCh38, 1-based): chr13:32,337,809-32,337,810, TT duplicated. VCF-style (leftmost placement, unchanged base first): chr13-32337808-C-CTT. GRCh37 (hg19) VCF-style: chr13-32911945-C-CTT.
Other names: c.3454_3455dupTT (NM_000059.3); short protein forms L1152fs.
Identifiers: ClinVar variation 479402 (VCV000479402.16), dbSNP rs80359385, ClinGen allele CA658656410.
Genomic context (GRCh38, chr13:32,337,808, plus strand): 5'-AAAACCAAGCTACATATTGCAGAAGAGTACATTTGAAGTGCCTGAAAACCAGATGACTAT[C>CTT]TTAAAGACCACTTCTGAGGAATGCAGAGATGCTGATCTTCATGTCATAATGAATGCCCCA-3'

ClinVar aggregate classification (germline): Pathogenic. Review status: criteria provided, multiple submitters, no conflicts (2 of 4 stars). 3 submissions from 3 submitters: Pathogenic (3). Last evaluated 2020-05-13.

Conditions:
Hereditary cancer-predisposing syndrome. Also called: Neoplastic Syndromes, Hereditary; Hereditary Cancer Syndrome; Hereditary neoplastic syndrome; Tumor predisposition. Identifiers: Orphanet 140162, MedGen C0027672, MeSH D009386, MONDO:0015356.
Hereditary breast ovarian cancer syndrome. Also called: Hereditary breast and ovarian cancer syndrome (HBOC); Hereditary breast and ovarian cancer syndrome; Breast and ovarian cancer; BRCA1- and BRCA2-Associated Hereditary Breast and Ovarian Cancer; Hereditary breast and ovarian cancer; Hereditary breast and/or ovarian cancer syndrome. Identifiers: Orphanet 145, MedGen C0677776, MeSH D061325, MONDO:0003582. Disease mechanism: loss of function.

Submissions (3):

Color Diagnostics, LLC DBA Color Health
Classification: Pathogenic for Hereditary cancer-predisposing syndrome. Last evaluated: 2020-05-13. Review status: criteria provided, single submitter. Criteria: ACMG Guidelines, 2015. Collection method: clinical testing. Allele origin: germline.
Comment: This variant inserts 2 nucleotides in exon 11 of the BRCA2 gene, creating a frameshift and premature translation stop signal. This variant is expected to result in an absent or non-functional protein product. To our knowledge, this variant has not been reported in individuals affected with hereditary cancer in the literature. This variant has not been identified in the general population by the Genome Aggregation Database (gnomAD). Loss of BRCA2 function is a known mechanism of disease. Based on the available evidence, this variant is classified as Pathogenic.

Labcorp Genetics (formerly Invitae), Labcorp
Classification: Pathogenic for Hereditary breast ovarian cancer syndrome. Last evaluated: 2018-08-12. Review status: criteria provided, single submitter. Criteria: Invitae Variant Classification Sherloc (09022015). Collection method: clinical testing. Allele origin: germline.
Comment: This sequence change creates a premature translational stop signal (p.Leu1152Phefs*2) in the BRCA2 gene. It is expected to result in an absent or disrupted protein product. For these reasons, this variant has been classified as Pathogenic. Loss-of-function variants in BRCA2 are known to be pathogenic (PMID: 20104584). This variant has not been reported in the literature in individuals with BRCA2-related disease. ClinVar contains an entry for this variant (Variation ID: 479402). This variant is not present in population databases (ExAC no frequency).

Ambry Genetics
Classification: Pathogenic for Hereditary cancer-predisposing syndrome. Last evaluated: 2017-08-17. Review status: criteria provided, single submitter. Criteria: Ambry Variant Classification Scheme 2023. Collection method: clinical testing. Allele origin: germline.
Comment: The c.3454_3455dupTT pathogenic mutation, located in coding exon 10 of the BRCA2 gene, results from a duplication of TT at nucleotide position 3454, causing a translational frameshift with a predicted alternate stop codon (p.L1152Ffs*2). This alteration is expected to result in loss of function by premature protein truncation or nonsense-mediated mRNA decay. As such, this alteration is interpreted as a disease-causing mutation.

Literature cited by the submitters: PubMed 20104584 (cited by Labcorp Genetics (formerly Invitae), Labcorp).